The following is an entry in ClinVar:

NM_032861.4(SERAC1):c.1195A>G (p.Ile399Val)

Gene: SERAC1 (serine active site containing 1; minus strand). Cytogenetic location: 6q25.3.
Variant type: single nucleotide variant.
Coding change: c.1195A>G on transcript NM_032861.4 (MANE Select); coding-DNA position 1195, A replaced by G.
Protein change: p.Ile399Val; replaces isoleucine 399 with valine.
Molecular consequence: missense variant. On other transcripts: non-coding transcript variant (1).
Genome position (GRCh38, 1-based): chr6:158,119,142, T>C on the plus strand (A>G on the coding strand, the complement: SERAC1 is on the minus strand). VCF-style: chr6-158119142-T-C. GRCh37 (hg19) VCF-style: chr6-158540174-T-C.
Other names: short protein forms I399V.
Identifiers: ClinVar variation 1716469 (VCV001716469.6), dbSNP rs2483477693, ClinGen allele CA366257838.

ClinVar aggregate classification (germline): Uncertain significance (1 of 4 stars; one submission).

Conditions:
3-methylglutaconic aciduria with deafness, encephalopathy, and Leigh-like syndrome (MEGDEL). Also called: SERAC1 Deficiency; MEGDEL syndrome; 3-METHYLGLUTACONIC ACIDURIA, TYPE VI. Identifiers: Orphanet 352328, MedGen C4040739, MONDO:0013875, OMIM 614739.

Submission:

Labcorp Genetics (formerly Invitae), Labcorp
Classification: Uncertain significance for 3-methylglutaconic aciduria with deafness, encephalopathy, and Leigh-like syndrome. Last evaluated: 2022-08-15. Review status: criteria provided, single submitter. Criteria: Invitae Variant Classification Sherloc (09022015). Collection method: clinical testing. Allele origin: germline.
Comment: In summary, the available evidence is currently insufficient to determine the role of this variant in disease. Therefore, it has been classified as a Variant of Uncertain Significance. Algorithms developed to predict the effect of missense changes on protein structure and function output the following: SIFT: "Tolerated"; PolyPhen-2: "Benign"; Align-GVGD: "Class C0". The valine amino acid residue is found in multiple mammalian species, which suggests that this missense change does not adversely affect protein function. This variant has not been reported in the literature in individuals affected with SERAC1-related conditions. This variant is not present in population databases (gnomAD no frequency). This sequence change replaces isoleucine, which is neutral and non-polar, with valine, which is neutral and non-polar, at codon 399 of the SERAC1 protein (p.Ile399Val).